The following is an entry in ClinVar:

ClinVar aggregate classification (germline): Uncertain significance. Review status: criteria provided, multiple submitters, no conflicts (2 of 4 stars). 3 submissions from 3 submitters: Uncertain significance (3). Last evaluated 2025-09-14.

Conditions:
Dilated cardiomyopathy 1II (CMD1II). Identifiers: Orphanet 154, MedGen C3554649, MONDO:0014073, OMIM 615184.
Cardiovascular phenotype. Identifiers: MedGen CN230736.
Myofibrillar myopathy 2. Also called: MYOPATHY, MYOFIBRILLAR, 2A, ADULT-ONSET; MYOPATHY, DESMIN-RELATED, ASSOCIATED WITH MUTATION IN THE CRYAB GENE; MYOPATHY, MYOFIBRILLAR, ALPHA-B CRYSTALLIN-RELATED; MYOPATHY, MYOFIBRILLAR, WITH OR WITHOUT CATARACT AND/OR CARDIOMYOPATHY. Identifiers: Orphanet 280553, Orphanet 399058, MedGen C1837317, MONDO:0012130.

Allele frequency attached by ClinVar (database versions not stated): gnomAD exomes below 0.00001.
gnomAD v4.1: 1 of 1,603,886 alleles (0.000062%); highest among the groups gnomAD compares: Non-Finnish European, 0.000085%; no homozygotes.

Submissions (3):

Labcorp Genetics (formerly Invitae), Labcorp
Classification: Uncertain significance for Dilated cardiomyopathy 1II. Last evaluated: 2025-09-14. Review status: criteria provided, single submitter. Criteria: Invitae Variant Classification Sherloc (09022015). Collection method: clinical testing. Allele origin: germline.
Comment: This sequence change replaces phenylalanine, which is neutral and non-polar, with serine, which is neutral and polar, at codon 14 of the CRYAB protein (p.Phe14Ser). This variant is not present in population databases (gnomAD no frequency). This variant has not been reported in the literature in individuals affected with CRYAB-related conditions. ClinVar contains an entry for this variant (Variation ID: 1390439). An algorithm developed to predict the effect of missense changes on protein structure and function (PolyPhen-2) suggests that this variant is likely to be disruptive. In summary, the available evidence is currently insufficient to determine the role of this variant in disease. Therefore, it has been classified as a Variant of Uncertain Significance.

Ambry Genetics
Classification: Uncertain significance for Cardiovascular phenotype. Last evaluated: 2023-11-08. Review status: criteria provided, single submitter. Criteria: Ambry Variant Classification Scheme 2023. Collection method: clinical testing. Allele origin: germline.
Comment: The p.F14S variant (also known as c.41T>C), located in coding exon 1 of the CRYAB gene, results from a T to C substitution at nucleotide position 41. The phenylalanine at codon 14 is replaced by serine, an amino acid with highly dissimilar properties. This amino acid position is conserved. In addition, the in silico prediction for this alteration is inconclusive. Since supporting evidence is limited at this time, the clinical significance of this alteration remains unclear.

Institute of Human Genetics, University of Leipzig Medical Center
Classification: Uncertain significance. Last evaluated: 2022-05-18. Review status: criteria provided, single submitter. Criteria: ACMG Guidelines, 2015. Collection method: clinical testing. Allele origin: unknown. Affected: yes.
Comment: _x000D_ Criteria applied: PM1, PM2_SUP, PP3

NM_001289808.2(CRYAB):c.41T>C (p.Phe14Ser)

Gene: CRYAB (crystallin alpha B; minus strand). Cytogenetic location: 11q23.1.
Variant type: single nucleotide variant.
Coding change: c.41T>C on transcript NM_001289808.2 (MANE Select); coding-DNA position 41, T replaced by C.
Protein change: p.Phe14Ser; replaces phenylalanine 14 with serine.
Molecular consequence: missense variant.
Genome position (GRCh38, 1-based): chr11:111,911,684, A>G on the plus strand (T>C on the coding strand, the complement: CRYAB is on the minus strand). VCF-style: chr11-111911684-A-G. GRCh37 (hg19) VCF-style: chr11-111782408-A-G.
Other names: c.41T>C, p.Phe14Ser (NM_001289807.1, NM_001368245.1, NM_001885.3); c.41T>C (NM_001885.1); short protein forms F14S.
Identifiers: ClinVar variation 1390439 (VCV001390439.8), dbSNP rs1555165594, ClinGen allele CA382601014.